The following is an entry in ClinVar:

ClinVar aggregate classification (germline): Uncertain significance (1 of 4 stars; one submission).

Conditions:
Familial hemophagocytic lymphohistiocytosis 5. Also called: STXBP2-Related Familial Hemophagocytic Lymphohistiocytosis (STXBP2-fHLH). Identifiers: Orphanet 540, MedGen C2751293, MONDO:0013135, OMIM 613101.

Submission:

Labcorp Genetics (formerly Invitae), Labcorp
Classification: Uncertain significance for Familial hemophagocytic lymphohistiocytosis 5. Last evaluated: 2025-12-23. Review status: criteria provided, single submitter. Criteria: Invitae Variant Classification Sherloc (09022015). Collection method: clinical testing. Allele origin: germline.
Comment: This sequence change falls in intron 17 of the STXBP2 gene. It does not directly change the encoded amino acid sequence of the STXBP2 protein. It affects a nucleotide within the consensus splice site. This variant is not present in population databases (gnomAD no frequency). This variant has not been reported in the literature in individuals affected with STXBP2-related conditions. Variants that disrupt the consensus splice site are a relatively common cause of aberrant splicing (PMID: 17576681, 9536098). Algorithms developed to predict the effect of sequence changes on RNA splicing suggest that this variant is not likely to affect RNA splicing. In summary, the available evidence is currently insufficient to determine the role of this variant in disease. Therefore, it has been classified as a Variant of Uncertain Significance.

Literature cited by the submitters: PubMed 17576681; PubMed 9536098.

NM_006949.4(STXBP2):c.1538+3G>T

Gene: STXBP2 (syntaxin binding protein 2; plus strand). Cytogenetic location: 19p13.2.
Variant type: single nucleotide variant.
Coding change: c.1538+3G>T on transcript NM_006949.4 (MANE Select); 3 bases into the intron after coding-DNA position 1538, G replaced by T.
Molecular consequence: intron variant.
Genome position (GRCh38, 1-based): chr19:7,647,250, G>T. VCF-style: chr19-7647250-G-T. GRCh37 (hg19) VCF-style: chr19-7712136-G-T.
Other names: c.1442+3G>T (NM_001414484.1); c.1571+3G>T (NM_001272034.2); c.1529+3G>T (NM_001127396.3).
Identifiers: ClinVar variation 4775023 (VCV004775023.1).